The following is an entry in ClinVar:

ClinVar aggregate classification (germline): Pathogenic (1 of 4 stars; one submission).

Conditions:
Bardet-Biedl syndrome (BBS). Identifiers: Orphanet 110, MedGen C0752166, MONDO:0015229.

Submission:

Labcorp Genetics (formerly Invitae), Labcorp
Classification: Pathogenic for Bardet-Biedl syndrome. Last evaluated: 2019-09-25. Review status: criteria provided, single submitter. Criteria: Invitae Variant Classification Sherloc (09022015). Collection method: clinical testing. Allele origin: germline.
Comment: A gross deletion of the genomic region encompassing the full coding sequence of the TRIM32 gene has been identified. The boundaries of this event are unknown as the deletion extends beyond the assayed region for this gene and therefore may encompass additional genes. Similar deletions have been observed in homozygosity or compound heterozygosity in individuals affected with limb girdle muscular dystrophy (PMID: 25351777, 23541687). Loss-of-function variants in TRIM32 are known to be pathogenic (PMID: 23541687). For these reasons, this variant has been classified as Pathogenic.

Literature cited by the submitters: PubMed 23541687; PubMed 25351777.

NC_000009.12:g.(?_116697743)_(116820783_?)del

Genes: ASTN2 (astrotactin 2; minus strand), TRIM32 (tripartite motif containing 32; plus strand). Cytogenetic location: 9q33.1.
Variant type: Deletion.
Identifiers: ClinVar variation 831676 (VCV000831676.1).